The following is an entry in ClinVar:

ClinVar aggregate classification (germline): Uncertain significance. Review status: criteria provided, multiple submitters, no conflicts (2 of 4 stars). 2 submissions from 2 submitters: Uncertain significance (2). Last evaluated 2024-10-24.

Allele frequency attached by ClinVar (database versions not stated): TOPMed 0.00002; ExAC 0.00003.

Submissions (2):

Labcorp Genetics (formerly Invitae), Labcorp
Classification: Uncertain significance. Last evaluated: 2024-10-24. Review status: criteria provided, single submitter. Criteria: Invitae Variant Classification Sherloc (09022015). Collection method: clinical testing. Allele origin: germline.
Comment: This sequence change replaces glycine, which is neutral and non-polar, with serine, which is neutral and polar, at codon 502 of the RBP3 protein (p.Gly502Ser). This variant is present in population databases (rs782181584, gnomAD 0.007%). This variant has not been reported in the literature in individuals affected with RBP3-related conditions. ClinVar contains an entry for this variant (Variation ID: 935950). Invitae Evidence Modeling of protein sequence and biophysical properties (such as structural, functional, and spatial information, amino acid conservation, physicochemical variation, residue mobility, and thermodynamic stability) indicates that this missense variant is not expected to disrupt RBP3 protein function with a negative predictive value of 80%. In summary, the available evidence is currently insufficient to determine the role of this variant in disease. Therefore, it has been classified as a Variant of Uncertain Significance.

Blueprint Genetics
Classification: Uncertain significance. Last evaluated: 2024-01-16. Review status: criteria provided, single submitter. Criteria: ACMG Guidelines, 2015. Collection method: clinical testing. Allele origin: germline.

NM_002900.3(RBP3):c.1504G>A (p.Gly502Ser)

Gene: RBP3 (retinol binding protein 3; plus strand). Cytogenetic location: 10q11.22.
Variant type: single nucleotide variant.
Coding change: c.1504G>A on transcript NM_002900.3 (MANE Select); coding-DNA position 1504, G replaced by A.
Protein change: p.Gly502Ser; replaces glycine 502 with serine.
Molecular consequence: missense variant.
Genome position (GRCh38, 1-based): chr10:47,349,988, G>A. VCF-style: chr10-47349988-G-A. GRCh37 (hg19) VCF-style: chr10-48389374-C-T.
Other names: short protein forms G502S.
Identifiers: ClinVar variation 935950 (VCV000935950.9), dbSNP rs782181584, ClinGen allele CA5487508.